The following is an entry in ClinVar:

ClinVar aggregate classification (germline): Likely pathogenic (1 of 4 stars; one submission).

Conditions:
Perrault syndrome. Also called: Gonadal dysgenesis with auditory dysfunction, autosomal recessive inheritance. Identifiers: Orphanet 2855, MedGen C0685838, MONDO:0017312.
Bifunctional peroxisomal enzyme deficiency (DBIF). Also called: DBP DEFICIENCY; PBFE DEFICIENCY; D-bifunctional protein deficiency. Identifiers: Orphanet 300, MedGen C0342870, MONDO:0009855, OMIM 261515. Disease mechanism: loss of function.

gnomAD v4.1: 1 of 1,551,864 alleles (0.000064%); highest among the groups gnomAD compares: Non-Finnish European, 0.000089%; no homozygotes.

Submission:

Labcorp Genetics (formerly Invitae), Labcorp
Classification: Likely pathogenic for Perrault syndrome; Bifunctional peroxisomal enzyme deficiency. Last evaluated: 2022-11-17. Review status: criteria provided, single submitter. Criteria: Invitae Variant Classification Sherloc (09022015). Collection method: clinical testing. Allele origin: germline.
Comment: This sequence change affects an acceptor splice site in intron 14 of the HSD17B4 gene. It is expected to disrupt RNA splicing. Variants that disrupt the donor or acceptor splice site typically lead to a loss of protein function (PMID: 16199547), and loss-of-function variants in HSD17B4 are known to be pathogenic (PMID: 11810648, 16385454, 20673864). In summary, the currently available evidence indicates that the variant is pathogenic, but additional data are needed to prove that conclusively. Therefore, this variant has been classified as Likely Pathogenic. Algorithms developed to predict the effect of sequence changes on RNA splicing suggest that this variant may disrupt the consensus splice site. This variant has not been reported in the literature in individuals affected with HSD17B4-related conditions. This variant is not present in population databases (gnomAD no frequency).

Literature cited by the submitters: PubMed 16199547; PubMed 11810648; PubMed 16385454; PubMed 20673864.

NM_000414.4(HSD17B4):c.1262-1G>C

Gene: HSD17B4 (hydroxysteroid 17-beta dehydrogenase 4; plus strand). Cytogenetic location: 5q23.1.
Variant type: single nucleotide variant.
Coding change: c.1262-1G>C on transcript NM_000414.4 (MANE Select); the canonical splice acceptor site of the intron before coding-DNA position 1262, G replaced by C.
Molecular consequence: splice acceptor variant. On other transcripts: intron variant (1).
Genome position (GRCh38, 1-based): chr5:119,506,817, G>C. VCF-style: chr5-119506817-G-C. GRCh37 (hg19) VCF-style: chr5-118842512-G-C.
Other names: c.842-1G>C (NM_001292028.2); c.1190-1G>C (NM_001292027.2); c.1262-2324G>C (NM_001374498.1); c.1253-1G>C (NM_001374497.1); c.1208-1G>C (NM_001199292.2); c.851-1G>C (NM_001374503.1, NM_001374502.1, NM_001374501.1); c.1337-1G>C (NM_001199291.3); c.935-1G>C (NM_001374499.1); and 1 more.
Identifiers: ClinVar variation 2933650 (VCV002933650.3), dbSNP rs2126806430, ClinGen allele CA360868493.